The following is an entry in ClinVar:

NM_000179.3(MSH6):c.2966A>G (p.Asn989Ser)

Gene: MSH6 (mutS homolog 6; plus strand). Cytogenetic location: 2p16.3.
Variant type: single nucleotide variant.
Coding change: c.2966A>G on transcript NM_000179.3 (MANE Select); coding-DNA position 2966, A replaced by G.
Protein change: p.Asn989Ser; replaces asparagine 989 with serine.
Molecular consequence: missense variant.
Genome position (GRCh38, 1-based): chr2:47,800,949, A>G. VCF-style: chr2-47800949-A-G. GRCh37 (hg19) VCF-style: chr2-48028088-A-G.
Other names: c.2576A>G, p.Asn859Ser (NM_001281492.2); c.2060A>G, p.Asn687Ser (NM_001281493.2, NM_001281494.2); short protein forms N989S, N859S, N687S.
Identifiers: ClinVar variation 410428 (VCV000410428.19), dbSNP rs763146296, ClinGen allele CA069893.

ClinVar aggregate classification (germline): Conflicting classifications of pathogenicity. Review status: criteria provided, conflicting classifications (1 of 4 stars). 3 submissions from 3 submitters: Uncertain significance (1); Likely benign (2). Last evaluated 2025-08-06.

Conditions:
Hereditary cancer-predisposing syndrome. Also called: Tumor predisposition; Hereditary Cancer Syndrome; Hereditary neoplastic syndrome; Neoplastic Syndromes, Hereditary. Identifiers: Orphanet 140162, MedGen C0027672, MeSH D009386, MONDO:0015356.
Hereditary nonpolyposis colorectal neoplasms. Identifiers: MedGen C0009405, MeSH D003123.

Allele frequency attached by ClinVar (database versions not stated): gnomAD exomes below 0.00001; ExAC 0.00001; gnomAD 0.00001.
gnomAD v4.1: 5 of 1,571,416 alleles (0.00032%); highest among the groups gnomAD compares: African/African-American, 0.0014%; no homozygotes.

Submissions (3):

Labcorp Genetics (formerly Invitae), Labcorp
Classification: Likely benign for Hereditary nonpolyposis colorectal neoplasms. Last evaluated: 2025-08-06. Review status: criteria provided, single submitter. Criteria: Invitae Variant Classification Sherloc (09022015). Collection method: clinical testing. Allele origin: germline.

Color Diagnostics, LLC DBA Color Health
Classification: Uncertain significance for Hereditary cancer-predisposing syndrome. Last evaluated: 2025-03-31. Review status: criteria provided, single submitter. Criteria: ACMG Guidelines, 2015. Collection method: clinical testing. Allele origin: germline.
Comment: This missense variant replaces asparagine with serine at codon 989 of the MSH6 protein. Computational prediction suggests that this variant may not impact protein structure and function. To our knowledge, functional studies have not been reported for this variant. This variant has not been reported in individuals affected with MSH6-related disorders in the literature but has been observed in 7 control individuals in a pancreatic cancer case-control study (PMID: 32980694). This variant has been identified in 1/216794 chromosomes in the general population by the Genome Aggregation Database (gnomAD). The available evidence is insufficient to determine the role of this variant in disease conclusively. Therefore, this variant is classified as a Variant of Uncertain Significance.

Ambry Genetics
Classification: Likely benign for Hereditary cancer-predisposing syndrome. Last evaluated: 2025-01-10. Review status: criteria provided, single submitter. Criteria: Ambry Variant Classification Scheme 2023. Collection method: clinical testing. Allele origin: germline.

Literature cited by the submitters: PubMed 32980694 (cited by Color Diagnostics, LLC DBA Color Health).